The following is an entry in ClinVar:

ClinVar aggregate classification (germline): Uncertain significance (1 of 4 stars; one submission).

Submission:

Ambry Genetics
Classification: Uncertain significance. Last evaluated: 2026-08-18. Review status: criteria provided, single submitter. Criteria: Ambry Variant Classification Scheme 2023. Collection method: clinical testing. Allele origin: germline.
Comment: The p.V1529L variant (also known as c.4585G>C), located in coding exon 40 of the KIF1B gene, results from a G to C substitution at nucleotide position 4585. The valine at codon 1529 is replaced by leucine, an amino acid with highly similar properties. This amino acid position is conserved. In addition, this alteration is predicted to be tolerated by in silico analysis. Based on the available evidence, the clinical significance of this variant remains unclear.

NM_001365951.3(KIF1B):c.4723G>C (p.Val1575Leu)

Gene: KIF1B (kinesin family member 1B; plus strand). Cytogenetic location: 1p36.22.
Variant type: single nucleotide variant.
Coding change: c.4723G>C on transcript NM_001365951.3 (MANE Select); coding-DNA position 4723, G replaced by C.
Protein change: p.Val1575Leu; replaces valine 1575 with leucine.
Molecular consequence: missense variant.
Genome position (GRCh38, 1-based): chr1:10,365,619, G>C. VCF-style: chr1-10365619-G-C. GRCh37 (hg19) VCF-style: chr1-10425677-G-C.
Other names: c.4723G>C, p.Val1575Leu (NM_001365952.1); c.4585G>C, p.Val1529Leu (NM_015074.3); short protein forms V1529L, V1575L.
Identifiers: ClinVar variation 4543702 (VCV004543702.2).